The following is an entry in ClinVar:

ClinVar aggregate classification (germline): Uncertain significance (1 of 4 stars; one submission).

Conditions:
Aortic aneurysm, familial thoracic 4 (AAT4). Also called: AORTIC ANEURYSM/AORTIC DISSECTION AND PATENT DUCTUS ARTERIOSUS. Identifiers: MedGen C1851504, MONDO:0007568, OMIM 132900.

Submission:

Labcorp Genetics (formerly Invitae), Labcorp
Classification: Uncertain significance for Aortic aneurysm, familial thoracic 4. Last evaluated: 2025-09-15. Review status: criteria provided, single submitter. Criteria: Invitae Variant Classification Sherloc (09022015). Collection method: clinical testing. Allele origin: germline.
Comment: This sequence change falls in intron 28 of the MYH11 gene. It does not directly change the encoded amino acid sequence of the MYH11 protein. It affects a nucleotide within the consensus splice site. This variant is not present in population databases (gnomAD no frequency). This variant has not been reported in the literature in individuals affected with MYH11-related conditions. Variants that disrupt the consensus splice site are a relatively common cause of aberrant splicing (PMID: 17576681, 9536098). Algorithms developed to predict the effect of sequence changes on RNA splicing suggest that this variant may disrupt the consensus splice site. In summary, the available evidence is currently insufficient to determine the role of this variant in disease. Therefore, it has been classified as a Variant of Uncertain Significance.

Literature cited by the submitters: PubMed 17576681; PubMed 9536098.

NM_002474.3(MYH11):c.3651+3A>G

Gene: MYH11 (myosin heavy chain 11; minus strand). Cytogenetic location: 16p13.11.
Variant type: single nucleotide variant.
Coding change: c.3651+3A>G on transcript NM_002474.3 (MANE Select); 3 bases into the intron after coding-DNA position 3651, A replaced by G.
Molecular consequence: intron variant.
Genome position (GRCh38, 1-based): chr16:15,732,561, T>C on the plus strand (A>G on the coding strand, the complement: MYH11 is on the minus strand). VCF-style: chr16-15732561-T-C. GRCh37 (hg19) VCF-style: chr16-15826418-T-C.
Other names: c.3651+3A>G (NM_022844.3); c.3672+3A>G (NM_001040114.2, NM_001040113.2).
Identifiers: ClinVar variation 4703717 (VCV004703717.1).